The following is an entry in ClinVar:

ClinVar aggregate classification (germline): Pathogenic. Review status: criteria provided, multiple submitters, no conflicts (2 of 4 stars). 2 submissions from 2 submitters: Pathogenic (2). Last evaluated 2026-06-10.

Conditions:
Hereditary cancer-predisposing syndrome. Also called: Hereditary Cancer Syndrome; Tumor predisposition; Hereditary neoplastic syndrome; Neoplastic Syndromes, Hereditary. Identifiers: Orphanet 140162, MedGen C0027672, MeSH D009386, MONDO:0015356.
Hereditary pheochromocytoma and paraganglioma. Also called: Hereditary paragangliomas and pheochromocytomas; Hereditary pheochromocytoma-paraganglioma; Hereditary Paraganglioma-Pheochromocytoma Syndromes. Identifiers: Orphanet 29072, MedGen C4274332, MONDO:0017366.

Submissions (2):

Ambry Genetics
Classification: Pathogenic for Hereditary cancer-predisposing syndrome. Last evaluated: 2026-06-10. Review status: criteria provided, single submitter. Criteria: Ambry Variant Classification Scheme 2023. Collection method: clinical testing. Allele origin: germline.
Comment: The c.283delG variant, located in coding exon 2 of the TMEM127 gene, results from a deletion of one nucleotide at nucleotide position 283, causing a translational frameshift with a predicted alternate stop codon (p.V95Sfs*29). This alteration occurs at the 3' terminus of theTMEM127 gene, is not expected to trigger nonsense-mediated mRNA decay, and impacts the last 60% of the protein. However, premature stop codons are typically deleterious in nature, the impacted region is critical for protein function, and a significant portion of the protein is affected (Ambry internal data). This variant is considered to be rare based on population cohorts in the Genome Aggregation Database (gnomAD). Based on the supporting evidence, this variant is interpreted as a disease-causing mutation.

Labcorp Genetics (formerly Invitae), Labcorp
Classification: Pathogenic for Hereditary pheochromocytoma and paraganglioma. Last evaluated: 2024-10-27. Review status: criteria provided, single submitter. Criteria: Invitae Variant Classification Sherloc (09022015). Collection method: clinical testing. Allele origin: germline.
Comment: This sequence change creates a premature translational stop signal (p.Val95Serfs*29) in the TMEM127 gene. While this is not anticipated to result in nonsense mediated decay, it is expected to disrupt the last 144 amino acid(s) of the TMEM127 protein. This variant is not present in population databases (gnomAD no frequency). This variant has not been reported in the literature in individuals affected with TMEM127-related conditions. ClinVar contains an entry for this variant (Variation ID: 463843). This variant disrupts a region of the TMEM127 protein in which other variant(s) (p.Gln157*) have been determined to be pathogenic (PMID: 22419703; internal data). This suggests that this is a clinically significant region of the protein, and that variants that disrupt it are likely to be disease-causing. For these reasons, this variant has been classified as Pathogenic.

Literature cited by the submitters: PubMed 22419703 (cited by Labcorp Genetics (formerly Invitae), Labcorp).

NM_017849.4(TMEM127):c.283del (p.Val95fs)

Gene: TMEM127 (transmembrane protein 127; minus strand). Cytogenetic location: 2q11.2.
Variant type: Deletion.
Coding change: c.283del on transcript NM_017849.4 (MANE Select); coding-DNA position 283, one base deleted (G; older notation c.283delG).
Protein change: p.Val95fs; shifts the reading frame from valine 95.
Molecular consequence: frameshift variant.
Genome position (GRCh38, 1-based): chr2:96,254,959, C deleted on the plus strand (G on the coding strand, the reverse complement: TMEM127 is on the minus strand); the first of 3 consecutive C bases (chr2:96,254,959-96,254,961); deleting any one gives the same sequence. VCF-style (leftmost placement, unchanged base first): chr2-96254958-AC-A. GRCh37 (hg19) VCF-style: chr2-96920696-AC-A.
Other names: c.283delG (NM_017849.3); c.283del, p.Val95fs (NM_001193304.3); short protein forms V95fs.
Identifiers: ClinVar variation 463843 (VCV000463843.9), dbSNP rs1553437028, ClinGen allele CA658657048.